The following is an entry in ClinVar:

ClinVar aggregate classification (germline): Likely pathogenic (1 of 4 stars; one submission).

Conditions:
Fabry disease. Also called: HEREDITARY DYSTOPIC LIPIDOSIS; Angiokeratoma corporis diffusum; Ceramide trihexosidosis; ALPHA-GALACTOSIDASE A DEFICIENCY; ANDERSON-FABRY DISEASE; CERAMIDE TRIHEXOSIDASE DEFICIENCY. Identifiers: Orphanet 324, MedGen C0002986, MONDO:0010526, OMIM 301500, HP:0001071. Disease mechanism: Fabry disease is due to inactivating mutations in the X-linked GLA gene resulting in deficiency of the enzyme Alpha Galactosidase-A., loss of function.

Submission:

Genetics Laboratory, Great Ormond Street Hospital NHS Foundation Trust, North Thames Genomic Laboratory Hub
Classification: Likely pathogenic for Fabry disease. Last evaluated: 2026-09-10. Review status: criteria provided, single submitter. Criteria: ACGS Best Practice Guidelines for Variant Classification in Rare Disease 2024 v1.2. Collection method: clinical testing. Allele origin: germline. Affected: yes.
Comment: PM2_moderate, PVS1_strong

NM_000169.3(GLA):c.1117_1168dup (p.Val390delinsGlyTer)

Genes: GLA (galactosidase alpha; minus strand), RPL36A-HNRNPH2 (RPL36A-HNRNPH2 readthrough; plus strand). Cytogenetic location: Xq22.1.
Variant type: Duplication.
Coding change: c.1117_1168dup on transcript NM_000169.3 (MANE Select); coding-DNA positions 1117 to 1168, 52 bases duplicated.
Protein change: p.Val390delinsGlyTer.
Molecular consequence: nonsense. On other transcripts: non-coding transcript variant (3), intron variant (2).
Genome position (GRCh38, 1-based): chrX:101,397,931-101,397,982, 52 bases duplicated. GRCh37 (hg19): chrX:100,652,925-100,652,976.
Other names: c.1240_1291dup, p.Val431delinsGlyTer (NM_001406747.1); c.300+2480_300+2531dup (NM_001199973.2); c.177+6115_177+6166dup (NM_001199974.2).
Identifiers: ClinVar variation 5042505 (VCV005042505.1).